The following is an entry in ClinVar:

NM_007194.4(CHEK2):c.776G>A (p.Gly259Asp)

Gene: CHEK2 (checkpoint kinase 2; minus strand). Cytogenetic location: 22q12.1.
Variant type: single nucleotide variant.
Coding change: c.776G>A on transcript NM_007194.4 (MANE Select); coding-DNA position 776, G replaced by A.
Protein change: p.Gly259Asp; replaces glycine 259 with aspartic acid.
Molecular consequence: missense variant.
Genome position (GRCh38, 1-based): chr22:28,711,925, C>T on the plus strand (G>A on the coding strand, the complement: CHEK2 is on the minus strand). VCF-style: chr22-28711925-C-T. GRCh37 (hg19) VCF-style: chr22-29107913-C-T.
Other names: c.905G>A, p.Gly302Asp (NM_001005735.3); c.113G>A, p.Gly38Asp (NM_001257387.3); c.575G>A, p.Gly192Asp (NM_001349956.3); c.776G>A, p.Gly259Asp (NM_145862.3); short protein forms G192D, G259D, G302D, G38D.
Identifiers: ClinVar variation 3063938 (VCV003063938.1), dbSNP rs1569140096, ClinGen allele CA411103093.

ClinVar aggregate classification (germline): Uncertain significance (1 of 4 stars; one submission).

Submission:

Women's Health and Genetics/Laboratory Corporation of America, LabCorp
Classification: Uncertain significance. Last evaluated: 2024-01-02. Review status: criteria provided, single submitter. Criteria: LabCorp Variant Classification Summary - May 2015. Collection method: clinical testing. Allele origin: germline.
Comment: Variant summary: CHEK2 c.776G>A (p.Gly259Asp) results in a non-conservative amino acid change located in the Protein kinase domain (IPR000719) of the encoded protein sequence. Three of five in-silico tools predict a benign effect of the variant on protein function. The variant was absent in 251292 control chromosomes. The available data on variant occurrences in the general population are insufficient to allow any conclusion about variant significance. c.776G>A has been reported in the literature as a VUS in settings of multigene panel testing in unaffected controls within cohorts of individuals affected with Breast/Biliary Tract Cancer (example, Momozawa_2018, Okawa_2023). These report(s) do not provide unequivocal conclusions about association of the variant with Hereditary Breast And Ovarian Cancer Syndrome. To our knowledge, no experimental evidence demonstrating an impact on protein function has been reported. The following publications have been ascertained in the context of this evaluation (PMID: 30287823, 36243179). No submitters have cited clinical-significance assessments for this variant to ClinVar after 2014. Based on the evidence outlined above, the variant was classified as uncertain significance.

Literature cited by the submitters: PubMed 30287823; PubMed 36243179.